The following is an entry in ClinVar:

NM_001378609.3(OTOGL):c.1714A>G (p.Ile572Val)

Gene: OTOGL (otogelin like; plus strand). Cytogenetic location: 12q21.31.
Variant type: single nucleotide variant.
Coding change: c.1714A>G on transcript NM_001378609.3 (MANE Select); coding-DNA position 1714, A replaced by G.
Protein change: p.Ile572Val; replaces isoleucine 572 with valine.
Molecular consequence: missense variant.
Genome position (GRCh38, 1-based): chr12:80,257,827, A>G. VCF-style: chr12-80257827-A-G. GRCh37 (hg19) VCF-style: chr12-80651607-A-G.
Other names: c.1714A>G, p.Ile572Val (NM_001368062.3, NM_001378610.3, NM_173591.7); short protein forms I563V, I572V.
Identifiers: ClinVar variation 517618 (VCV000517618.5), dbSNP rs942588475, ClinGen allele CA240199152.

ClinVar aggregate classification (germline): Uncertain significance (1 of 4 stars; one submission).

Allele frequency attached by ClinVar (database versions not stated): gnomAD exomes below 0.00001; TOPMed 0.00001; gnomAD 0.00002.
gnomAD v4.1: 6 of 1,570,370 alleles (0.00038%); highest among the groups gnomAD compares: African/African-American, 0.0027%; no homozygotes.

Submission:

Laboratory for Molecular Medicine, Mass General Brigham Personalized Medicine
Classification: Uncertain significance. Last evaluated: 2017-10-03. Review status: criteria provided, single submitter. Criteria: LMM Criteria. Collection method: clinical testing. Allele origin: germline. Observed: 1 variant allele.
Comment: The p.Ile563Val variant in OTOGL has not been previously reported in individuals with hearing loss, but has been identified in 2/8732 African chromosomes by the Genome Aggregation Database (gnomAD; dbSNP rs 942588475). Although this variant has been seen in the general population, its f requency is low enough to be consistent with a recessive carrier frequency. Comp utational prediction tools and conservation analysis suggest that the p.Ile563Va l variant may not impact the protein, though this information is not predictive enough to rule out pathogenicity. In summary, the clinical significance of the p .Ile563Val variant is uncertain. ACMG/AMP Criteria applied: BP4 (Richards 2015).